The following is an entry in ClinVar:

NM_000089.4(COL1A2):c.694-1G>C

Gene: COL1A2 (collagen type I alpha 2 chain; plus strand). Cytogenetic location: 7q21.3.
Variant type: single nucleotide variant.
Coding change: c.694-1G>C on transcript NM_000089.4 (MANE Select); the canonical splice acceptor site of the intron before coding-DNA position 694, G replaced by C.
Molecular consequence: splice acceptor variant.
Genome position (GRCh38, 1-based): chr7:94,408,335, G>C. VCF-style: chr7-94408335-G-C. GRCh37 (hg19) VCF-style: chr7-94037647-G-C.
Identifiers: ClinVar variation 2950146 (VCV002950146.3), dbSNP rs2484705896, ClinGen allele CA368220332.

ClinVar aggregate classification (germline): Pathogenic (1 of 4 stars; one submission).

Conditions:
Osteogenesis imperfecta type I (OI1). Also called: Lobstein disease; OI, TYPE I; OSTEOGENESIS IMPERFECTA TARDA; OSTEOGENESIS IMPERFECTA WITH BLUE SCLERAE; Osteogenesis imperfecta type 1; Lobstein's Disease. Identifiers: Orphanet 216796, Orphanet 666, MedGen C0023931, MONDO:0008146, OMIM 166200. Disease mechanism: loss of function.
Ehlers-Danlos syndrome, classic type, 1 (EDSCL1). Also called: EDS I; EHLERS-DANLOS SYNDROME, GRAVIS TYPE; EHLERS-DANLOS SYNDROME, SEVERE CLASSIC TYPE; Ehlers-Danlos syndrome, type 1; Ehlers-Danlos Syndrome, Classic Type, COL5A1-Related. Identifiers: MedGen C0268335, MONDO:0019567, OMIM 130000.

Submission:

Labcorp Genetics (formerly Invitae), Labcorp
Classification: Pathogenic for Osteogenesis imperfecta type I; Ehlers-Danlos syndrome, classic type, 1. Last evaluated: 2023-07-20. Review status: criteria provided, single submitter. Criteria: Invitae Variant Classification Sherloc (09022015). Collection method: clinical testing. Allele origin: germline.
Comment: Disruption of this splice site has been observed in individual(s) with clinical features of autosomal dominant osteogenesis imperfecta (Invitae). It has also been observed to segregate with disease in related individuals. For these reasons, this variant has been classified as Pathogenic. Algorithms developed to predict the effect of sequence changes on RNA splicing suggest that this variant may disrupt the consensus splice site. This variant is not present in population databases (gnomAD no frequency). This sequence change affects an acceptor splice site in intron 14 of the COL1A2 gene. It is expected to disrupt RNA splicing. Variants that disrupt the donor or acceptor splice site typically lead to a loss of protein function (PMID: 16199547), and loss-of-function variants in COL1A2 are known to be pathogenic (PMID: 11288717, 15077201).

Literature cited by the submitters: PubMed 16199547; PubMed 11288717; PubMed 15077201.